The following is an entry in ClinVar:

NM_001353345.2(SETD1B):c.2455G>A (p.Gly819Ser)

Gene: SETD1B (SET domain containing 1B, histone lysine methyltransferase; plus strand). Cytogenetic location: 12q24.31.
Variant type: single nucleotide variant.
Coding change: c.2455G>A on transcript NM_001353345.2 (MANE Select); coding-DNA position 2455, G replaced by A.
Protein change: p.Gly819Ser; replaces glycine 819 with serine.
Molecular consequence: missense variant.
Genome position (GRCh38, 1-based): chr12:121,814,670, G>A. VCF-style: chr12-121814670-G-A. GRCh37 (hg19) VCF-style: chr12-122252576-G-A.
Other names: short protein forms G819S.
Identifiers: ClinVar variation 1708874 (VCV001708874.2), dbSNP rs2500202141, ClinGen allele CA386994689.

ClinVar aggregate classification (germline): Uncertain significance (1 of 4 stars; one submission).

Submission:

GeneDx
Classification: Uncertain significance. Last evaluated: 2022-04-05. Review status: criteria provided, single submitter. Criteria: GeneDx Variant Classification Process June 2021. Collection method: clinical testing. Allele origin: germline. Affected: yes.
Comment: Not observed at significant frequency in large population cohorts (gnomAD); In silico analysis supports that this missense variant does not alter protein structure/function; Has not been previously published as pathogenic or benign to our knowledge